The following is an entry in ClinVar:

NM_015910.7(WDPCP):c.1421T>C (p.Leu474Pro)

Gene: WDPCP (WD repeat containing planar cell polarity effector; minus strand). Cytogenetic location: 2p15.
Variant type: single nucleotide variant.
Coding change: c.1421T>C on transcript NM_015910.7 (MANE Select); coding-DNA position 1421, T replaced by C.
Protein change: p.Leu474Pro; replaces leucine 474 with proline.
Molecular consequence: missense variant. On other transcripts: non-coding transcript variant (3).
Genome position (GRCh38, 1-based): chr2:63,404,062, A>G on the plus strand (T>C on the coding strand, the complement: WDPCP is on the minus strand). VCF-style: chr2-63404062-A-G. GRCh37 (hg19) VCF-style: chr2-63631197-A-G.
Other names: c.944T>C, p.Leu315Pro (NM_001042692.3); c.1349T>C, p.Leu450Pro (NM_001354044.2); c.1421T>C, p.Leu474Pro (NM_001354045.2); short protein forms L450P, L315P, L474P.
Identifiers: ClinVar variation 1517806 (VCV001517806.6), dbSNP rs1575342542, ClinGen allele CA347064445.

ClinVar aggregate classification (germline): Uncertain significance (1 of 4 stars; one submission).

Conditions:
Bardet-Biedl syndrome (BBS). Identifiers: Orphanet 110, MedGen C0752166, MONDO:0015229.

Submission:

Labcorp Genetics (formerly Invitae), Labcorp
Classification: Uncertain significance for Bardet-Biedl syndrome. Last evaluated: 2026-01-05. Review status: criteria provided, single submitter. Criteria: Invitae Variant Classification Sherloc (09022015). Collection method: clinical testing. Allele origin: germline.
Comment: This sequence change replaces leucine, which is neutral and non-polar, with proline, which is neutral and non-polar, at codon 474 of the WDPCP protein (p.Leu474Pro). This variant is not present in population databases (gnomAD no frequency). This variant has not been reported in the literature in individuals affected with WDPCP-related conditions. ClinVar contains an entry for this variant (Variation ID: 1517806). Invitae Evidence Modeling of protein sequence and biophysical properties (such as structural, functional, and spatial information, amino acid conservation, physicochemical variation, residue mobility, and thermodynamic stability) indicates that this missense variant is expected to disrupt WDPCP protein function with a positive predictive value of 80%. In summary, the available evidence is currently insufficient to determine the role of this variant in disease. Therefore, it has been classified as a Variant of Uncertain Significance.